The following is an entry in ClinVar:

ClinVar aggregate classification (germline): Uncertain significance. Review status: criteria provided, multiple submitters, no conflicts (2 of 4 stars). 2 submissions from 2 submitters: Uncertain significance (2). Last evaluated 2025-07-02.

Conditions:
Inborn genetic diseases. Identifiers: MedGen C0950123, MeSH D030342.
Autosomal recessive limb-girdle muscular dystrophy type 2Q (LGMDR17). Also called: MUSCULAR DYSTROPHY, LIMB-GIRDLE, AUTOSOMAL RECESSIVE 17. Identifiers: Orphanet 254361, MedGen C3150989, MONDO:0013390, OMIM 613723.
Epidermolysis bullosa simplex 5C, with pyloric atresia (EBS5C). Also called: PLEC1-Related Epidermolysis Bullosa with Pyloric Atresia; PLEC-Related Epidermolysis Bullosa with Pyloric Atresia; Epidermolysis bullosa simplex with pyloric atresia. Identifiers: Orphanet 158684, MedGen C2677349, MONDO:0012807, OMIM 612138.
Epidermolysis bullosa simplex 5B, with muscular dystrophy (EBS5B). Also called: EPIDERMOLYSIS BULLOSA SIMPLEX AND LIMB-GIRDLE MUSCULAR DYSTROPHY; Epidermolysis bullosa simplex with muscular dystrophy. Identifiers: Orphanet 257, MedGen C2931072, MONDO:0009181, OMIM 226670.
Epidermolysis bullosa simplex, Ogna type (EBS5A). Also called: Pidermolysis bullosa simplex 5A, Ogna type; EPIDERMOLYSIS BULLOSA SIMPLEX 5A, OGNA TYPE. Identifiers: Orphanet 79401, MedGen C0432317, MONDO:0007555, OMIM 131950.
Epidermolysis bullosa simplex with nail dystrophy (EBS5D). Identifiers: MedGen C4225309, MONDO:0014661, OMIM 616487.

gnomAD v4.1: 1 of 1,605,300 alleles (0.000062%); highest among the groups gnomAD compares: Non-Finnish European, 0.000085%; no homozygotes.

Submissions (2):

Labcorp Genetics (formerly Invitae), Labcorp
Classification: Uncertain significance for Autosomal recessive limb-girdle muscular dystrophy type 2Q; Epidermolysis bullosa simplex, Ogna type; Epidermolysis bullosa simplex with nail dystrophy; Epidermolysis bullosa simplex 5C, with pyloric atresia; Epidermolysis bullosa simplex 5B, with muscular dystrophy. Last evaluated: 2025-07-02. Review status: criteria provided, single submitter. Criteria: Invitae Variant Classification Sherloc (09022015). Collection method: clinical testing. Allele origin: germline.
Comment: This sequence change replaces threonine, which is neutral and polar, with serine, which is neutral and polar, at codon 4518 of the PLEC protein (p.Thr4518Ser). This variant is not present in population databases (gnomAD no frequency). This variant has not been reported in the literature in individuals affected with PLEC-related conditions. ClinVar contains an entry for this variant (Variation ID: 2534449). An algorithm developed to predict the effect of missense changes on protein structure and function outputs the following: PolyPhen-2: "Not Available". The serine amino acid residue is found in multiple mammalian species, which suggests that this missense change does not adversely affect protein function. In summary, the available evidence is currently insufficient to determine the role of this variant in disease. Therefore, it has been classified as a Variant of Uncertain Significance.

Ambry Genetics
Classification: Uncertain significance for Inborn genetic diseases. Last evaluated: 2023-04-07. Review status: criteria provided, single submitter. Criteria: Ambry Variant Classification Scheme 2023. Collection method: clinical testing. Allele origin: germline.

NM_201384.3(PLEC):c.13471A>T (p.Thr4491Ser)

Gene: PLEC (plectin; minus strand). Cytogenetic location: 8q24.3.
Variant type: single nucleotide variant.
Coding change: c.13471A>T on transcript NM_201384.3 (MANE Select); coding-DNA position 13471, A replaced by T.
Protein change: p.Thr4491Ser; replaces threonine 4491 with serine.
Molecular consequence: missense variant.
Genome position (GRCh38, 1-based): chr8:143,916,350, T>A on the plus strand (A>T on the coding strand, the complement: PLEC is on the minus strand). VCF-style: chr8-143916350-T-A. GRCh37 (hg19) VCF-style: chr8-144990518-T-A.
Other names: c.13552A>T, p.Thr4518Ser (NM_000445.5); c.10171A>T, p.Thr3391Ser (NM_001410941.1); c.13429A>T, p.Thr4477Ser (NM_201378.4); c.13405A>T, p.Thr4469Ser (NM_201379.3); c.13882A>T, p.Thr4628Ser (NM_201380.4); c.13375A>T, p.Thr4459Ser (NM_201381.3); c.13471A>T, p.Thr4491Ser (NM_201382.4); c.13483A>T, p.Thr4495Ser (NM_201383.3); short protein forms T4459S, T4628S, T4469S, T4518S, T4477S, T4491S, T3391S, T4495S.
Identifiers: ClinVar variation 2534449 (VCV002534449.3), dbSNP rs782756146, ClinGen allele CA372474316.